The following is an entry in ClinVar:

ClinVar aggregate classification (germline): Uncertain significance (1 of 4 stars; one submission).

Conditions:
Hereditary cancer-predisposing syndrome. Also called: Neoplastic Syndromes, Hereditary; Tumor predisposition; Hereditary Cancer Syndrome; Hereditary neoplastic syndrome. Identifiers: Orphanet 140162, MedGen C0027672, MeSH D009386, MONDO:0015356.

Submission:

Ambry Genetics
Classification: Uncertain significance for Hereditary cancer-predisposing syndrome. Last evaluated: 2022-02-01. Review status: criteria provided, single submitter. Criteria: Ambry Variant Classification Scheme 2023. Collection method: clinical testing. Allele origin: germline.
Comment: The p.S982P variant (also known as c.2944T>C), located in coding exon 15 of the APC gene, results from a T to C substitution at nucleotide position 2944. The serine at codon 982 is replaced by proline, an amino acid with similar properties. This amino acid position is conserved. In addition, in silico predictors for this gene do not accurately predict pathogenicity. Since supporting evidence is limited at this time, the clinical significance of this alteration remains unclear.

NM_000038.6(APC):c.2944T>C (p.Ser982Pro)

Gene: APC (APC regulator of Wnt signaling pathway; plus strand). Cytogenetic location: 5q22.2.
Variant type: single nucleotide variant.
Coding change: c.2944T>C on transcript NM_000038.6 (MANE Select); coding-DNA position 2944, T replaced by C.
Protein change: p.Ser982Pro; replaces serine 982 with proline.
Molecular consequence: missense variant.
Genome position (GRCh38, 1-based): chr5:112,838,538, T>C. VCF-style: chr5-112838538-T-C. GRCh37 (hg19) VCF-style: chr5-112174235-T-C.
Other names: c.2095T>C, p.Ser699Pro (NM_001354906.2, NM_001407470.1); c.3028T>C, p.Ser1010Pro (NM_001407446.1); c.2998T>C, p.Ser1000Pro (NM_001407449.1, NM_001407447.1, NM_001407448.1 and 1 more transcripts); c.2944T>C, p.Ser982Pro (NM_001407450.1, NM_001127510.3, NM_001354895.2); c.2890T>C, p.Ser964Pro (NM_001127511.3); c.2974T>C, p.Ser992Pro (NM_001354897.2); c.2869T>C, p.Ser957Pro (NM_001354898.2); c.2860T>C, p.Ser954Pro (NM_001354899.2); and 11 more; short protein forms S881P, S975P, S891P, S899P, S941P, S954P, S1000P, S598P.
Identifiers: ClinVar variation 1797959 (VCV001797959.2), dbSNP rs2149880787, ClinGen allele CA16027764.